The following is an entry in ClinVar:

ClinVar aggregate classification (germline): Uncertain significance (1 of 4 stars; one submission).

Conditions:
Wilms tumor 1 (WT1). Also called: Wilms tumor, somatic. Identifiers: Orphanet 654, MedGen CN033288, MONDO:0008679, OMIM 194070.

Submission:

Labcorp Genetics (formerly Invitae), Labcorp
Classification: Uncertain significance for Wilms tumor 1. Last evaluated: 2020-04-16. Review status: criteria provided, single submitter. Criteria: Invitae Variant Classification Sherloc (09022015). Collection method: clinical testing. Allele origin: germline.
Comment: Algorithms developed to predict the effect of missense changes on protein structure and function are either unavailable or do not agree on the potential impact of this missense change (SIFT: "Deleterious"; PolyPhen-2: "Probably Damaging"; Align-GVGD: "Class C15"). This variant has not been reported in the literature in individuals with GPC3-related conditions. This variant is not present in population databases (ExAC no frequency). This sequence change replaces leucine with valine at codon 303 of the GPC3 protein (p.Leu303Val). The leucine residue is highly conserved and there is a small physicochemical difference between leucine and valine. In summary, the available evidence is currently insufficient to determine the role of this variant in disease. Therefore, it has been classified as a Variant of Uncertain Significance.

NM_004484.4(GPC3):c.907C>G (p.Leu303Val)

Gene: GPC3 (glypican 3; minus strand). Cytogenetic location: Xq26.2.
Variant type: single nucleotide variant.
Coding change: c.907C>G on transcript NM_004484.4 (MANE Select); coding-DNA position 907, C replaced by G.
Protein change: p.Leu303Val; replaces leucine 303 with valine.
Molecular consequence: missense variant.
Genome position (GRCh38, 1-based): chrX:133,753,607, G>C on the plus strand (C>G on the coding strand, the complement: GPC3 is on the minus strand). VCF-style: chrX-133753607-G-C. GRCh37 (hg19) VCF-style: chrX-132887634-G-C.
Other names: c.907C>G, p.Leu303Val (NM_001164617.2); c.859C>G, p.Leu287Val (NM_001164618.2); c.745C>G, p.Leu249Val (NM_001164619.2); short protein forms L303V, L249V, L287V.
Identifiers: ClinVar variation 1034864 (VCV001034864.9), dbSNP rs2071690519, ClinGen allele CA414705309.